The following is an entry in ClinVar:

ClinVar aggregate classification (germline): Uncertain significance. Review status: criteria provided, multiple submitters, no conflicts (2 of 4 stars). 2 submissions from 2 submitters: Uncertain significance (2). Last evaluated 2024-05-22.

Conditions:
Menkes kinky-hair syndrome (MNK). Also called: Copper transport disease; Menkes Disease; Classic Menkes Disease. Identifiers: Orphanet 565, MedGen C0022716, MONDO:0010651, OMIM 309400.
Cutis laxa, X-linked (OHS). Also called: EDS IX; Occipital horn syndrome. Identifiers: Orphanet 198, MedGen C0268353, MONDO:0010572, OMIM 304150.
X-linked distal spinal muscular atrophy type 3. Also called: SPINAL MUSCULAR ATROPHY, DISTAL, X-LINKED RECESSIVE; ATP7A-Related Distal Motor Neuropathy; NEURONOPATHY, DISTAL HEREDITARY MOTOR, X-LINKED; NEUROPATHY, DISTAL HEREDITARY MOTOR, X-LINKED. Identifiers: Orphanet 139557, MedGen C1845359, MONDO:0010338, OMIM 300489.

Submissions (2):

Labcorp Genetics (formerly Invitae), Labcorp
Classification: Uncertain significance for X-linked distal spinal muscular atrophy type 3; Cutis laxa, X-linked; Menkes kinky-hair syndrome. Last evaluated: 2024-05-22. Review status: criteria provided, single submitter. Criteria: Invitae Variant Classification Sherloc (09022015). Collection method: clinical testing. Allele origin: germline.
Comment: This sequence change replaces glutamic acid, which is acidic and polar, with lysine, which is basic and polar, at codon 1291 of the ATP7A protein (p.Glu1291Lys). This variant is not present in population databases (gnomAD no frequency). This variant has not been reported in the literature in individuals affected with ATP7A-related conditions. ClinVar contains an entry for this variant (Variation ID: 804038). Advanced modeling of protein sequence and biophysical properties (such as structural, functional, and spatial information, amino acid conservation, physicochemical variation, residue mobility, and thermodynamic stability) performed at Invitae indicates that this missense variant is not expected to disrupt ATP7A protein function with a negative predictive value of 95%. In summary, the available evidence is currently insufficient to determine the role of this variant in disease. Therefore, it has been classified as a Variant of Uncertain Significance.

Mendelics
Classification: Uncertain significance for Menkes kinky-hair syndrome. Last evaluated: 2019-05-28. Review status: criteria provided, single submitter. Criteria: Mendelics Assertion Criteria 2017. Collection method: clinical testing. Allele origin: unknown.

NM_000052.7(ATP7A):c.3871G>A (p.Glu1291Lys)

Gene: ATP7A (ATPase copper transporting alpha; plus strand). Cytogenetic location: Xq21.1.
Variant type: single nucleotide variant.
Coding change: c.3871G>A on transcript NM_000052.7 (MANE Select); coding-DNA position 3871, G replaced by A.
Protein change: p.Glu1291Lys; replaces glutamic acid 1291 with lysine.
Molecular consequence: missense variant. On other transcripts: non-coding transcript variant (1).
Genome position (GRCh38, 1-based): chrX:78,042,654, G>A. VCF-style: chrX-78042654-G-A. GRCh37 (hg19) VCF-style: chrX-77298152-G-A.
Other names: c.3637G>A, p.Glu1213Lys (NM_001282224.2); short protein forms E1213K, E1291K.
Identifiers: ClinVar variation 804038 (VCV000804038.6), dbSNP rs999014839, ClinGen allele CA331108970.